The following is an entry in ClinVar:

NC_000023.11:g.(?_31496778)_(31507463_?)del

Gene: DMD (dystrophin; minus strand). Cytogenetic location: Xp21.2-21.1.
Variant type: Deletion.
Identifiers: ClinVar variation 660685 (VCV000660685.1).

ClinVar aggregate classification (germline): Pathogenic (1 of 4 stars; one submission).

Conditions:
Duchenne muscular dystrophy (DMD). Also called: MUSCULAR DYSTROPHY, PSEUDOHYPERTROPHIC PROGRESSIVE, DUCHENNE TYPE; Duchenne Muscular Dystrophy (DMD). Identifiers: Orphanet 98896, MedGen C0013264, MONDO:0010679, OMIM 310200.

Submission:

Labcorp Genetics (formerly Invitae), Labcorp
Classification: Pathogenic for Duchenne muscular dystrophy. Last evaluated: 2018-08-27. Review status: criteria provided, single submitter. Criteria: Invitae Variant Classification Sherloc (09022015). Collection method: clinical testing. Allele origin: germline.
Comment: This variant is an out-of-frame deletion of the genomic region encompassing exons 53-57 of the DMD gene. This is expected to create a premature translational stop signal and result in an absent or disrupted protein product. A similar deletion of exons 53-57 has been reported in an individual affected with Duchenne muscular dystrophy (PMID: 21515508). Loss-of-function variants in DMD are known to be pathogenic (PMID: 16770791, 25007885). For these reasons, this variant has been classified as Pathogenic.

Literature cited by the submitters: PubMed 21515508.